The following is an entry in ClinVar:

NM_152617.4(RNF168):c.1430G>A (p.Arg477His)

Gene: RNF168 (ring finger protein 168; minus strand). Cytogenetic location: 3q29.
Variant type: single nucleotide variant.
Coding change: c.1430G>A on transcript NM_152617.4 (MANE Select); coding-DNA position 1430, G replaced by A.
Protein change: p.Arg477His; replaces arginine 477 with histidine.
Molecular consequence: missense variant.
Genome position (GRCh38, 1-based): chr3:196,472,105, C>T on the plus strand (G>A on the coding strand, the complement: RNF168 is on the minus strand). VCF-style: chr3-196472105-C-T. GRCh37 (hg19) VCF-style: chr3-196198976-C-T.
Other names: short protein forms R477H.
Identifiers: ClinVar variation 1470894 (VCV001470894.5), dbSNP rs1393075615, ClinGen allele CA2780652.
Genomic context (GRCh38, chr3:196,472,105, plus strand): 5'-CCATCTTTGGGATTCTTCCTCTGTCCATTTAGCACTTTGTCTGGAGGGGAGGATGTAGCG[C>T]GTAAGTGATACTCATCTGGGGATCCTTTTTGCCGGTTTGGCACCATTTGCTCTTTATCCA-3'
Protein context (NP_689830.2, residues 467-487): QKGSPDEYHL[Arg477His]ATSSPPDKVL

ClinVar aggregate classification (germline): Uncertain significance (1 of 4 stars; one submission).

Allele frequency attached by ClinVar (database versions not stated): gnomAD 0.00001 and 0.00002; TOPMed 0.00001; gnomAD exomes 0.00002 and 0.00004; ExAC 0.00003.
gnomAD v4.1: 36 of 1,613,668 alleles (0.0022%); highest among the groups gnomAD compares: Middle Eastern, 0.016%; no homozygotes.

Submission:

Labcorp Genetics (formerly Invitae), Labcorp
Classification: Uncertain significance. Last evaluated: 2021-09-24. Review status: criteria provided, single submitter. Criteria: Invitae Variant Classification Sherloc (09022015). Collection method: clinical testing. Allele origin: germline.
Comment: This sequence change replaces arginine with histidine at codon 477 of the RNF168 protein (p.Arg477His). The arginine residue is highly conserved and there is a small physicochemical difference between arginine and histidine. This variant is present in population databases (no rsID available, ExAC 0.02%). This variant has not been reported in the literature in individuals with RNF168-related conditions. Algorithms developed to predict the effect of missense changes on protein structure and function are either unavailable or do not agree on the potential impact of this missense change (SIFT: "Deleterious"; PolyPhen-2: "Probably Damaging"; Align-GVGD: "Class C0"). In summary, the available evidence is currently insufficient to determine the role of this variant in disease. Therefore, it has been classified as a Variant of Uncertain Significance.